The following is an entry in ClinVar:

NM_001110556.2(FLNA):c.3406A>G (p.Ile1136Val)

Gene: FLNA (filamin A; minus strand). Cytogenetic location: Xq28.
Variant type: single nucleotide variant.
Coding change: c.3406A>G on transcript NM_001110556.2 (MANE Select); coding-DNA position 3406, A replaced by G.
Protein change: p.Ile1136Val; replaces isoleucine 1136 with valine.
Molecular consequence: missense variant.
Genome position (GRCh38, 1-based): chrX:154,360,389, T>C on the plus strand (A>G on the coding strand, the complement: FLNA is on the minus strand). VCF-style: chrX-154360389-T-C. GRCh37 (hg19) VCF-style: chrX-153588757-T-C.
Other names: p.I1136V:ATC>GTC; c.3406A>G, p.Ile1136Val (NM_001456.4); short protein forms I1136V.
Identifiers: ClinVar variation 213446 (VCV000213446.7), dbSNP rs782395522, ClinGen allele CA320587.

ClinVar aggregate classification (germline): Conflicting classifications of pathogenicity. Review status: criteria provided, conflicting classifications (1 of 4 stars). 2 submissions from 2 submitters: Uncertain significance (1); Likely benign (1). Last evaluated 2021-10-21.

Conditions:
Oto-palato-digital syndrome, type II (OPD2). Also called: Otopalatodigital Syndrome, Type II; FACIOPALATOOSSEOUS SYNDROME; OPD II SYNDROME; Otopalatodigital Syndrome Type 2 (FLNA-OPD2). Identifiers: Orphanet 669, Orphanet 90652, MedGen C1844696, MONDO:0010571, OMIM 304120.
Frontometaphyseal dysplasia (FMD1). Identifiers: Orphanet 1826, MedGen C0265293, MONDO:0015942.
Heterotopia, periventricular, X-linked dominant (PVNH1). Also called: PERIVENTRICULAR NODULAR HETEROTOPIA 1; X-linked periventricular heterotopia; PERIVENTRICULAR NODULAR HETEROTOPIA 4; HETEROTOPIA, PERIVENTRICULAR, 1. Identifiers: Orphanet 2149, Orphanet 82004, MedGen C1848213, MONDO:0010233, OMIM 300049.
Melnick-Needles syndrome (MNS). Also called: MELNICK-NEEDLES OSTEODYSPLASTY; OSTEODYSPLASTY OF MELNICK AND NEEDLES; Melnick-Needles Syndrome (FLNA-MNS). Identifiers: Orphanet 2484, MedGen C0025237, MONDO:0010650, OMIM 309350.

Allele frequency attached by ClinVar (database versions not stated): gnomAD exomes 0.00001; TOPMed below 0.00001.
gnomAD v4.1: 5 of 1,211,175 alleles (0.00041%); highest among the groups gnomAD compares: Non-Finnish European, 0.00011%; no homozygotes.

Submissions (2):

Labcorp Genetics (formerly Invitae), Labcorp
Classification: Uncertain significance for Oto-palato-digital syndrome, type II; Heterotopia, periventricular, X-linked dominant; Frontometaphyseal dysplasia; Melnick-Needles syndrome. Last evaluated: 2021-10-21. Review status: criteria provided, single submitter. Criteria: Invitae Variant Classification Sherloc (09022015). Collection method: clinical testing. Allele origin: germline.
Comment: In summary, the available evidence is currently insufficient to determine the role of this variant in disease. Therefore, it has been classified as a Variant of Uncertain Significance. Advanced modeling of protein sequence and biophysical properties (such as structural, functional, and spatial information, amino acid conservation, physicochemical variation, residue mobility, and thermodynamic stability) performed at Invitae indicates that this missense variant is not expected to disrupt FLNA protein function. ClinVar contains an entry for this variant (Variation ID: 213446). This sequence change replaces isoleucine with valine at codon 1136 of the FLNA protein (p.Ile1136Val). The isoleucine residue is highly conserved and there is a small physicochemical difference between isoleucine and valine. This variant is not present in population databases (ExAC no frequency). This variant has not been reported in the literature in individuals affected with FLNA-related conditions.

GeneDx
Classification: Likely benign. Last evaluated: 2014-11-13. Review status: criteria provided, single submitter. Criteria: GeneDx Variant Classification (06012015). Collection method: clinical testing. Allele origin: germline. Affected: yes.
Comment: This variant is considered likely benign or benign based on one or more of the following criteria: it is a conservative change, it occurs at a poorly conserved position in the protein, it is predicted to be benign by multiple in silico algorithms, and/or has population frequency not consistent with disease.